The following is an entry in ClinVar:

ClinVar aggregate classification (germline): Uncertain significance (1 of 4 stars; one submission).

Conditions:
CCDC50-related disorder. Also called: CCDC50-related condition.

gnomAD v4.1: 3 of 1,614,068 alleles (0.00019%); highest among the groups gnomAD compares: Non-Finnish European, 0.00025%; no homozygotes.

Submission:

PreventionGenetics, part of Exact Sciences
Classification: Uncertain significance for CCDC50-related condition. Last evaluated: 2023-07-10. Review status: criteria provided, single submitter. Criteria: ACMG Guidelines, 2015. Collection method: clinical testing. Allele origin: germline.
Comment: The CCDC50 c.171G>C variant is predicted to result in the amino acid substitution p.Gln57His. To our knowledge, this variant has not been reported in the literature. This variant is reported in 0.0054% of alleles in individuals of East Asian descent in gnomAD. At this time, the clinical significance of this variant is uncertain due to the absence of conclusive functional and genetic evidence.

NM_178335.3(CCDC50):c.171G>C (p.Gln57His)

Gene: CCDC50 (coiled-coil domain containing 50; plus strand). Cytogenetic location: 3q28.
Variant type: single nucleotide variant.
Coding change: c.171G>C on transcript NM_178335.3 (MANE Select); coding-DNA position 171, G replaced by C.
Protein change: p.Gln57His; replaces glutamine 57 with histidine.
Molecular consequence: missense variant.
Genome position (GRCh38, 1-based): chr3:191,358,056, G>C. VCF-style: chr3-191358056-G-C. GRCh37 (hg19) VCF-style: chr3-191075845-G-C.
Other names: c.171G>C, p.Gln57His (NM_174908.4); short protein forms Q57H.
Identifiers: ClinVar variation 2632482 (VCV002632482.1), dbSNP rs1260207759, ClinGen allele CA355761168.
Genomic context (GRCh38, chr3:191,358,056, plus strand): 5'-AGTTGAGCATCATTTGGCATCGAACGTTCAGCGGAACCGTTTGGTCCAGCATGATCTCCA[G>C]GTGGCTAAGCAGCTCCAAGAGGAAGATCTGAAAGCGCAGGCCCAGCTCCAGAAGCGCTAC-3'
Protein context (NP_848018.1, residues 47-67): QRNRLVQHDL[Gln57His]VAKQLQEEDL